The following is an entry in ClinVar:

NM_001211.6(BUB1B):c.2440C>G (p.Arg814Gly)

Gene: BUB1B (BUB1 mitotic checkpoint serine/threonine kinase B; plus strand). Cytogenetic location: 15q15.1.
Variant type: single nucleotide variant.
Coding change: c.2440C>G on transcript NM_001211.6 (MANE Select); coding-DNA position 2440, C replaced by G.
Protein change: p.Arg814Gly; replaces arginine 814 with glycine.
Molecular consequence: missense variant.
Genome position (GRCh38, 1-based): chr15:40,212,553, C>G. VCF-style: chr15-40212553-C-G. GRCh37 (hg19) VCF-style: chr15-40504754-C-G.
Other names: short protein forms R814G.
Identifiers: ClinVar variation 1467193 (VCV001467193.8), dbSNP rs769288048, ClinGen allele CA391695215.

ClinVar aggregate classification (germline): Uncertain significance (1 of 4 stars; one submission).

Conditions:
Mosaic variegated aneuploidy syndrome 1 (MVA1). Also called: Warburton-Anyane-Yeboa syndrome. Identifiers: Orphanet 1052, MedGen C1850343, MONDO:0009759, OMIM 257300.

Submission:

Labcorp Genetics (formerly Invitae), Labcorp
Classification: Uncertain significance for Mosaic variegated aneuploidy syndrome 1. Last evaluated: 2021-02-20. Review status: criteria provided, single submitter. Criteria: Invitae Variant Classification Sherloc (09022015). Collection method: clinical testing. Allele origin: germline.
Comment: In summary, the available evidence is currently insufficient to determine the role of this variant in disease. Therefore, it has been classified as a Variant of Uncertain Significance. This variant disrupts the p.Arg814 amino acid residue in BUB1B. Other variant(s) that disrupt this residue have been determined to be pathogenic (PMID: 20516114, 30512160, 28976722, 15475955, 27331020). This suggests that this residue is clinically significant, and that variants that disrupt this residue are likely to be disease-causing. Algorithms developed to predict the effect of missense changes on protein structure and function are either unavailable or do not agree on the potential impact of this missense change (SIFT: "Deleterious"; PolyPhen-2: "Probably Damaging"; Align-GVGD: "Class C0"). This variant has not been reported in the literature in individuals with BUB1B-related conditions. This variant is not present in population databases (ExAC no frequency). This sequence change replaces arginine with glycine at codon 814 of the BUB1B protein (p.Arg814Gly). The arginine residue is highly conserved and there is a moderate physicochemical difference between arginine and glycine.

Literature cited by the submitters: PubMed 20516114; PubMed 30512160; PubMed 28976722; PubMed 15475955; PubMed 27331020.